The following is an entry in ClinVar:

ClinVar aggregate classification (germline): Conflicting classifications of pathogenicity. Review status: criteria provided, conflicting classifications (1 of 4 stars). 2 submissions from 2 submitters: Uncertain significance (1); Likely benign (1). Last evaluated 2026-06-22.

Conditions:
Hereditary cancer-predisposing syndrome. Also called: Tumor predisposition; Neoplastic Syndromes, Hereditary; Hereditary Cancer Syndrome; Hereditary neoplastic syndrome. Identifiers: Orphanet 140162, MedGen C0027672, MeSH D009386, MONDO:0015356.
Hereditary diffuse gastric adenocarcinoma (HDGC). Also called: DIFFUSE GASTRIC AND LOBULAR BREAST CANCER SYNDROME. Identifiers: Orphanet 26106, MedGen C1708349, MONDO:0007648, OMIM 137215.

Allele frequency attached by ClinVar (database versions not stated): gnomAD exomes below 0.00001.
gnomAD v4.1: 3 of 1,614,114 alleles (0.00019%); highest among the groups gnomAD compares: African/African-American, 0.0027%; no homozygotes.

Submissions (2):

Ambry Genetics
Classification: Likely benign for Hereditary cancer-predisposing syndrome. Last evaluated: 2026-06-22. Review status: criteria provided, single submitter. Criteria: Ambry Variant Classification Scheme 2023. Collection method: clinical testing. Allele origin: germline.

Labcorp Genetics (formerly Invitae), Labcorp
Classification: Uncertain significance for Hereditary diffuse gastric adenocarcinoma. Last evaluated: 2024-09-21. Review status: criteria provided, single submitter. Criteria: Invitae Variant Classification Sherloc (09022015). Collection method: clinical testing. Allele origin: germline.
Comment: This sequence change replaces isoleucine, which is neutral and non-polar, with valine, which is neutral and non-polar, at codon 665 of the CDH1 protein (p.Ile665Val). This variant is not present in population databases (gnomAD no frequency). This variant has not been reported in the literature in individuals affected with CDH1-related conditions. ClinVar contains an entry for this variant (Variation ID: 220382). An algorithm developed to predict the effect of missense changes on protein structure and function outputs the following: PolyPhen-2: "Benign". The valine amino acid residue is found in multiple mammalian species, which suggests that this missense change does not adversely affect protein function. In summary, the available evidence is currently insufficient to determine the role of this variant in disease. Therefore, it has been classified as a Variant of Uncertain Significance.

NM_004360.5(CDH1):c.1993A>G (p.Ile665Val)

Gene: CDH1 (cadherin 1; plus strand). Cytogenetic location: 16q22.1.
Variant type: single nucleotide variant.
Coding change: c.1993A>G on transcript NM_004360.5 (MANE Select); coding-DNA position 1993, A replaced by G.
Protein change: p.Ile665Val; replaces isoleucine 665 with valine.
Molecular consequence: missense variant.
Genome position (GRCh38, 1-based): chr16:68,823,455, A>G. VCF-style: chr16-68823455-A-G. GRCh37 (hg19) VCF-style: chr16-68857358-A-G.
Other names: c.1993A>G (LRG_301t1); c.1810A>G, p.Ile604Val (NM_001317184.2); c.445A>G, p.Ile149Val (NM_001317185.2); c.28A>G, p.Ile10Val (NM_001317186.2); short protein forms I665V, I10V, I604V, I149V.
Identifiers: ClinVar variation 220382 (VCV000220382.11), dbSNP rs864622503, ClinGen allele CA349500.
Genomic context (GRCh38, chr16:68,823,455, plus strand): 5'-CCAGCCCAAGAATCTATCATTTTGAAGCCAAAGATGGCCTTAGAGGTGGGTGACTACAAA[A>G]TCAATCTCAAGCTCATGGATAACCAGAATAAAGACCAAGTGACCACCTTAGAGGTCAGCG-3'
Protein context (NP_004351.1, residues 655-675): KMALEVGDYK[Ile665Val]NLKLMDNQNK